The following is an entry in ClinVar:

ClinVar aggregate classification (germline): Conflicting classifications of pathogenicity. Review status: criteria provided, conflicting classifications (1 of 4 stars). 3 submissions from 3 submitters: Uncertain significance (2); Likely benign (1). Last evaluated 2025-08-17.

Conditions:
Cardiovascular phenotype. Identifiers: MedGen CN230736.
Familial hypobetalipoproteinemia 1. Also called: APOB-Related Familial Hypobetalipoproteinemia; Hypobetalipoproteinemia, normotriglyceridemic; Acanthocytosis with hypobetalipoproteinemia. Identifiers: MedGen C4551990, MONDO:0014252, OMIM 615558.
Hypercholesterolemia, autosomal dominant, type B (FHCL2). Also called: APOLIPOPROTEIN B-100, FAMILIAL DEFECTIVE; APOLIPOPROTEIN B-100, FAMILIAL LIGAND-DEFECTIVE; HYPERCHOLESTEROLEMIA, FAMILIAL, DUE TO LIGAND-DEFECTIVE APOLIPOPROTEIN B; Familial Hypercholesterolemia Type B; APOB-Related Familial Hypercholesterolemia, Autosomal Dominant; Hyperlipoproteinemia Type IIb. Identifiers: MedGen C1704417, MONDO:0007751, OMIM 144010.

Allele frequency attached by ClinVar (database versions not stated): gnomAD exomes 0.00001; TOPMed 0.00001; ExAC 0.00002; gnomAD 0.00001.
gnomAD v4.1: 13 of 1,613,884 alleles (0.00081%); highest among the groups gnomAD compares: Middle Eastern, 0.016%; no homozygotes.

Submissions (3):

Labcorp Genetics (formerly Invitae), Labcorp
Classification: Likely benign for Familial hypobetalipoproteinemia 1; Hypercholesterolemia, autosomal dominant, type B. Last evaluated: 2025-08-17. Review status: criteria provided, single submitter. Criteria: Invitae Variant Classification Sherloc (09022015). Collection method: clinical testing. Allele origin: germline.

Molecular Diagnostic Laboratory for Inherited Cardiovascular Disease, Montreal Heart Institute
Classification: Uncertain significance for Cardiovascular phenotype. Last evaluated: 2025-07-24. Review status: criteria provided, single submitter. Criteria: ACMG Guidelines, 2015. Collection method: clinical testing. Allele origin: germline. Affected: yes.
Comment: PM2, BP5

Ambry Genetics
Classification: Uncertain significance for Cardiovascular phenotype. Last evaluated: 2022-12-14. Review status: criteria provided, single submitter. Criteria: Ambry Variant Classification Scheme 2023. Collection method: clinical testing. Allele origin: germline.
Comment: The p.R3558H variant (also known as c.10673G>A), located in coding exon 26 of the APOB gene, results from a G to A substitution at nucleotide position 10673. The arginine at codon 3558 is replaced by histidine, an amino acid with highly similar properties. This amino acid position is conserved. In addition, this alteration is predicted to be tolerated by in silico analysis. Since supporting evidence is limited at this time, the clinical significance of this alteration remains unclear.

NM_000384.3(APOB):c.10673G>A (p.Arg3558His)

Gene: APOB (apolipoprotein B; minus strand). Cytogenetic location: 2p24.1.
Variant type: single nucleotide variant.
Coding change: c.10673G>A on transcript NM_000384.3 (MANE Select); coding-DNA position 10673, G replaced by A.
Protein change: p.Arg3558His; replaces arginine 3558 with histidine.
Molecular consequence: missense variant.
Genome position (GRCh38, 1-based): chr2:21,006,195, C>T on the plus strand (G>A on the coding strand, the complement: APOB is on the minus strand). VCF-style: chr2-21006195-C-T. GRCh37 (hg19) VCF-style: chr2-21229067-C-T.
Other names: short protein forms R3558H.
Identifiers: ClinVar variation 2451298 (VCV002451298.6), dbSNP rs762035088, ClinGen allele CA044326.